The following is an entry in ClinVar:

ClinVar aggregate classification (germline): Uncertain significance (1 of 4 stars; one submission).

Submission:

Labcorp Genetics (formerly Invitae), Labcorp
Classification: Uncertain significance. Last evaluated: 2025-06-13. Review status: criteria provided, single submitter. Criteria: Invitae Variant Classification Sherloc (09022015). Collection method: clinical testing. Allele origin: germline.
Comment: This sequence change replaces lysine, which is basic and polar, with arginine, which is basic and polar, at codon 1981 of the SORL1 protein (p.Lys1981Arg). This variant is not present in population databases (gnomAD no frequency). This variant has not been reported in the literature in individuals affected with SORL1-related conditions. ClinVar contains an entry for this variant (Variation ID: 3695334). An algorithm developed to predict the effect of missense changes on protein structure and function (PolyPhen-2) suggests that this variant is likely to be disruptive. In summary, the available evidence is currently insufficient to determine the role of this variant in disease. Therefore, it has been classified as a Variant of Uncertain Significance.

NM_003105.6(SORL1):c.5942A>G (p.Lys1981Arg)

Gene: SORL1 (sortilin related receptor 1; plus strand). Cytogenetic location: 11q24.1.
Variant type: single nucleotide variant.
Coding change: c.5942A>G on transcript NM_003105.6 (MANE Select); coding-DNA position 5942, A replaced by G.
Protein change: p.Lys1981Arg; replaces lysine 1981 with arginine.
Molecular consequence: missense variant.
Genome position (GRCh38, 1-based): chr11:121,621,116, A>G. VCF-style: chr11-121621116-A-G. GRCh37 (hg19) VCF-style: chr11-121491825-A-G.
Other names: short protein forms K1981R.
Identifiers: ClinVar variation 3695334 (VCV003695334.2).
Genomic context (GRCh38, chr11:121,621,116, plus strand): 5'-GGTCCTAGTTGTATGCAGTTGCAGTCAAAGATCTCATAAGAAAGACTGACAGGAGCTACA[A>G]AGTAAAATCCCGTAACAGCACTGTGGAATACACCCTTAACAAGTTGGAGCCTGGCGGGAA-3'
Protein context (NP_003096.2, residues 1971-1991): DLIRKTDRSY[Lys1981Arg]VKSRNSTVEY